The following is an entry in ClinVar:

ClinVar aggregate classification (germline): Pathogenic. Review status: criteria provided, multiple submitters, no conflicts (2 of 4 stars). 4 submissions from 4 submitters: Pathogenic (4). Last evaluated 2024-12-05.

Conditions:
Aromatase deficiency. Also called: Increased aromatase activity; PSEUDOHERMAPHRODITISM, FEMALE, DUE TO PLACENTAL AROMATASE DEFICIENCY. Identifiers: Orphanet 91, MedGen C1960539, MONDO:0013301, OMIM 613546.

Allele frequency attached by ClinVar (database versions not stated): gnomAD exomes below 0.00001.
gnomAD v4.1: 1 of 1,584,086 alleles (0.000063%); highest among the groups gnomAD compares: Non-Finnish European, 0.000087%; no homozygotes.

Submissions (4):

Natera, Inc.
Classification: Pathogenic for Aromatase deficiency. Last evaluated: 2024-12-05. Review status: criteria provided, single submitter. Criteria: Natera Variant Classification Schema (03/2026). Collection method: clinical testing. Allele origin: germline.
Comment: The c.343C>T variant in CYP19A1 is a nonsense variant predicted to introduce a stop codon at amino acid 115. This variant is expected to result in nonsense mediated decay, truncation, or a dysfunctional protein product. This variant is rare in the general population with a frequency below the threshold expected for the associated phenotype(s). This variant has been observed in one or more individuals affected with the associated recessive disease, as either homozygous or compound heterozygous with a second variant (PMID: 32623730, 30968679). Additionally, this variant has been observed to segregate in affected family members (PMID: 30968679). Given the available evidence, this variant is classified as Pathogenic.

Genomic Medicine Center of Excellence, King Faisal Specialist Hospital and Research Centre
Classification: Pathogenic for Aromatase deficiency. Last evaluated: 2023-05-08. Review status: criteria provided, single submitter. Criteria: ACMG Guidelines, 2015. Collection method: research. Allele origin: germline. Affected: yes.

Labcorp Genetics (formerly Invitae), Labcorp
Classification: Pathogenic. Last evaluated: 2020-12-13. Review status: criteria provided, single submitter. Criteria: Invitae Variant Classification Sherloc (09022015). Collection method: clinical testing. Allele origin: germline.
Comment: For these reasons, this variant has been classified as Pathogenic. This variant has been observed in individual(s) with aromatase deficiency (PMID: 30968679). This variant is not present in population databases (ExAC no frequency). This sequence change creates a premature translational stop signal (p.Arg115*) in the CYP19A1 gene. It is expected to result in an absent or disrupted protein product. Loss-of-function variants in CYP19A1 are known to be pathogenic (PMID: 14602738, 27086564, 27256151).

GeneDx
Classification: Pathogenic. Last evaluated: 2020-01-21. Review status: criteria provided, single submitter. Criteria: GeneDx Variant Classification Process June 2021. Collection method: clinical testing. Allele origin: germline. Affected: yes.
Comment: Nonsense variant predicted to result in protein truncation or nonsense mediated decay in a gene for which loss-of-function is a known mechanism of disease; Not observed in large population cohorts (Lek et al., 2016); This variant is associated with the following publications: (PMID: 32623730, 30968679)

Literature cited by the submitters: PubMed 32623730 (cited by Natera, Inc.); PubMed 30968679 (cited by Natera, Inc. and Labcorp Genetics (formerly Invitae), Labcorp); PubMed 14602738 (cited by Labcorp Genetics (formerly Invitae), Labcorp); PubMed 27086564 (cited by Labcorp Genetics (formerly Invitae), Labcorp); PubMed 27256151 (cited by Labcorp Genetics (formerly Invitae), Labcorp).

NM_000103.4(CYP19A1):c.343C>T (p.Arg115Ter)

Genes: MIR4713HG (MIR4713 host gene; plus strand), PIRC66 (piwi-interacting RNA cluster 66; plus strand), CYP19A1 (cytochrome P450 family 19 subfamily A member 1; minus strand). Cytogenetic location: 15q21.2.
Variant type: single nucleotide variant.
Coding change: c.343C>T on transcript NM_000103.4 (MANE Select); coding-DNA position 343, C replaced by T.
Protein change: p.Arg115Ter; replaces arginine 115 with a stop codon.
Molecular consequence: nonsense.
Genome position (GRCh38, 1-based): chr15:51,227,887, G>A on the plus strand (C>T on the coding strand, the complement: CYP19A1 is on the minus strand). VCF-style: chr15-51227887-G-A. GRCh37 (hg19) VCF-style: chr15-51520084-G-A.
Other names: c.343C>T, p.Arg115Ter (NM_001347248.1, NM_001347249.2, NM_001347250.2 and 7 more transcripts); short protein forms R115*.
Identifiers: ClinVar variation 1212857 (VCV001212857.13), dbSNP rs2141079375, ClinGen allele CA392421264.
Genomic context (GRCh38, chr15:51,227,887, plus strand): 5'-TAAATATGATGCCTTTCTCATGCATACCGATGCACTGCAGCCCAAGTTTGCTGCCGAATC[G>A]AGAGCTGTAATGATTGTGCTTCATTATGTGGAACATACTTGAGGACCTGAAAAGACAGGA-3'